The following is an entry in ClinVar:

ClinVar aggregate classification (germline): Uncertain significance. Review status: criteria provided, multiple submitters, no conflicts (2 of 4 stars). 5 submissions from 5 submitters: Uncertain significance (5). Last evaluated 2025-11-21.

Conditions:
Cataract 41 (CTRCT41). Also called: CATARACT 41, CONGENITAL NUCLEAR TYPE. Identifiers: Orphanet 91492, Orphanet 98991, Orphanet 98992, Orphanet 98995, MedGen C3805412, MONDO:0007287, OMIM 116400.
Autosomal dominant nonsyndromic hearing loss 6 (LFSNHL). Also called: DEAFNESS, AUTOSOMAL DOMINANT 6; DEAFNESS, AUTOSOMAL DOMINANT 14; DEAFNESS, AUTOSOMAL DOMINANT 38; Autosomal dominant nonsyndromic deafness 6. Identifiers: Orphanet 90635, MedGen C1833021, MONDO:0010963, OMIM 600965.
Type 2 diabetes mellitus. Also called: Type II diabetes mellitus. Identifiers: MedGen C0011860, MeSH D003924, MONDO:0005148, OMIM 125853, HP:0005978.
Wolfram syndrome 1 (WFS1). Identifiers: Orphanet 3463, MedGen C4551693, MONDO:0009101, OMIM 222300.
Wolfram-like syndrome. Also called: HEARING LOSS, PROGRESSIVE, WITH OPTIC ATROPHY AND/OR IMPAIRED GLUCOSE REGULATION. Identifiers: Orphanet 411590, MedGen C3280358, MONDO:0013673, OMIM 614296.

Allele frequency attached by ClinVar (database versions not stated): TOPMed 0.00001; gnomAD exomes 0.00001 and 0.00003.
gnomAD v4.1: 36 of 1,611,788 alleles (0.0022%); highest among the groups gnomAD compares: East Asian, 0.016%; no homozygotes.

Submissions (6):

Genetic Services Laboratory, University of Chicago
Classification: Uncertain significance. Last evaluated: 2025-11-21. Review status: criteria provided, single submitter. Criteria: ACMG Guidelines, 2015. Collection method: clinical testing. Allele origin: germline.
Comment: The c.631+5G>A variant: Does not appear to have been previously described in individuals with WFS1-related disorders. Is reported in the gnomAD v4 database with a frequency of 0.0022% (dbSNP rs863224261). Is predicted to have a deleterious effect on splicing by impacting the natural splice donor site based on in-silico splice prediction programs; however functional studies have not been performed to prove this conclusively. ClinVar contains an entry for this variant (Variation ID: 215379). Due to insufficient evidence and the lack of functional studies, the clinical significance of this variant remains unknown at this time.

Labcorp Genetics (formerly Invitae), Labcorp
Classification: Uncertain significance. Last evaluated: 2024-02-23. Review status: criteria provided, single submitter. Criteria: Invitae Variant Classification Sherloc (09022015). Collection method: clinical testing. Allele origin: germline.
Comment: This sequence change falls in intron 5 of the WFS1 gene. It does not directly change the encoded amino acid sequence of the WFS1 protein. It affects a nucleotide within the consensus splice site. This variant is present in population databases (no rsID available, gnomAD 0.006%). This variant has not been reported in the literature in individuals affected with WFS1-related conditions. ClinVar contains an entry for this variant (Variation ID: 215379). Variants that disrupt the consensus splice site are a relatively common cause of aberrant splicing (PMID: 17576681, 9536098). Algorithms developed to predict the effect of sequence changes on RNA splicing suggest that this variant may disrupt the consensus splice site. In summary, the available evidence is currently insufficient to determine the role of this variant in disease. Therefore, it has been classified as a Variant of Uncertain Significance.

Fulgent Genetics
Classification: Uncertain significance for Cataract 41; Type 2 diabetes mellitus; Wolfram syndrome 1; Autosomal dominant nonsyndromic hearing loss 6; Wolfram-like syndrome. Last evaluated: 2021-07-27. Review status: criteria provided, single submitter. Criteria: ACMG Guidelines, 2015. Collection method: clinical testing. Allele origin: unknown.

GeneDx
Classification: Uncertain significance. Last evaluated: 2012-08-28. Review status: criteria provided, single submitter. Criteria: GeneDx Variant Classification (06012015). Collection method: clinical testing. Allele origin: germline. Affected: yes.
Comment: c.631+5 G>A:IVS5+5 G>A in intron 5 of the WFS1 gene (NM_006005.3) The c.631+5 G>A variant has not been published as a mutation, nor has it been reported as a benign polymorphism to our knowledge. Two in-silico splice prediction models predict that c.631+5 G>A destroys or damages the natural splice donor site in intron 5. However, the true effect of c.631+5 G>A on splicing in vivo is not known. Therefore, based on the currently available information it is unclear whether c.631+5 G>A is a disease-causing mutation or a rare benign variant. The variant is found in MITONUC-MITOP panel(s).

Clinical Genomics, Uppaluri K&H Personalized Medicine Clinic
Classification: Uncertain significance for Wolfram syndrome 1. Review status: criteria provided, single submitter. Criteria: K & H Uppaluri Personalized Medicine Clinic Variant Classification & Assertion Criteria_Updated V.1. Collection method: research. Allele origin: unknown. Inheritance: Autosomal recessive inheritance.
Comment: Potent mutations in WFS1 gene are associated with Wolfram's syndrome, an autosomal recessive condition, which cause diabetes mellitus, diabetes insipidus, deafness and optic atrophy. However no sufficient evidence is found to ascertain the role of this particular variant rs863224261 in Wolfram's syndrome yet.

Dr. Peter K. Rogan Lab, Western University
No classification provided (evidence only). Condition: Ovarian serous cystadenocarcinoma. Review status: no classification provided. Collection method: in vitro. Allele origin: not applicable. Functional consequence: retained intron. Not counted in ClinVar's aggregate classification.

Literature cited by the submitters: PubMed 17576681 (cited by Labcorp Genetics (formerly Invitae), Labcorp); PubMed 9536098 (cited by Labcorp Genetics (formerly Invitae), Labcorp); PubMed 20738327 (cited by Clinical Genomics, Uppaluri K&H Personalized Medicine Clinic); PubMed 33879153 (cited by Clinical Genomics, Uppaluri K&H Personalized Medicine Clinic); PubMed 12955714 (cited by Clinical Genomics, Uppaluri K&H Personalized Medicine Clinic); PubMed 18060660 (cited by Clinical Genomics, Uppaluri K&H Personalized Medicine Clinic); PubMed 20301750 (cited by Clinical Genomics, Uppaluri K&H Personalized Medicine Clinic); PubMed 17603484 (cited by Clinical Genomics, Uppaluri K&H Personalized Medicine Clinic).

NM_006005.3(WFS1):c.631+5G>A

Gene: WFS1 (wolframin ER transmembrane glycoprotein; plus strand). Cytogenetic location: 4p16.1.
Variant type: single nucleotide variant.
Coding change: c.631+5G>A on transcript NM_006005.3 (MANE Select); 5 bases into the intron after coding-DNA position 631, G replaced by A.
Molecular consequence: intron variant.
Genome position (GRCh38, 1-based): chr4:6,291,372, G>A. VCF-style: chr4-6291372-G-A. GRCh37 (hg19) VCF-style: chr4-6293099-G-A.
Other names: c.631+5G>A (NM_001145853.1).
Identifiers: ClinVar variation 215379 (VCV000215379.12), dbSNP rs863224261, ClinGen allele CA323223.